The following is an entry in ClinVar:

ClinVar aggregate classification (germline): Likely pathogenic (0 of 4 stars; one submission).

Conditions:
SMCHD1-related disorder. Also called: SMCHD1-related condition.

Submission:

PreventionGenetics, part of Exact Sciences
Classification: Likely pathogenic for SMCHD1-related condition. Last evaluated: 2024-07-23. Review status: no assertion criteria provided. Collection method: clinical testing. Allele origin: germline.
Comment: The SMCHD1 c.5309_5324delinsTGA variant is predicted to result in a frameshift and premature protein termination (p.Arg1770Leufs*41). To our knowledge, this variant has not been reported in the literature or in a large population database, indicating this variant is rare. Frameshift variants in SMCHD1 are expected to be pathogenic (Lemmers et al. 2015. PubMed ID: 25256356). This variant is interpreted as likely pathogenic.

NM_015295.3(SMCHD1):c.5309_5324delinsTGA (p.Arg1770fs)

Gene: SMCHD1 (structural maintenance of chromosomes flexible hinge domain containing 1; plus strand). Cytogenetic location: 18p11.32.
Variant type: Indel.
Coding change: c.5309_5324delinsTGA on transcript NM_015295.3 (MANE Select); coding-DNA positions 5309 to 5324, GTCAGCAGGTGTTGCC replaced by TGA.
Protein change: p.Arg1770fs; shifts the reading frame from arginine 1770.
Molecular consequence: frameshift variant.
Genome position (GRCh38, 1-based): chr18:2,775,867-2,775,882, GTCAGCAGGTGTTGCC replaced by TGA. VCF-style: chr18-2775867-GTCAGCAGGTGTTGCC-TGA. GRCh37 (hg19) VCF-style: chr18-2775865-GTCAGCAGGTGTTGCC-TGA.
Other names: short protein forms R1770fs.
Identifiers: ClinVar variation 3344417 (VCV003344417.1).
Genomic context (GRCh38, chr18:2,775,867, plus strand): 5'-ACTGTGTAGTCACCCTAACCACTGACGCTGCACGTCGTATCTATGATGAAACCCAAGGTC[GTCAGCAGGTGTTGCC>TGA]CCTTGATTCTATTTACAAGAAGACTCTTCCAGATTGGAAAAGGTTAGAAAAAAGTGAAAG-3'